The following is an entry in ClinVar:

ClinVar aggregate classification (germline): Pathogenic (1 of 4 stars; one submission).

Conditions:
EGFR-related lung cancer (EGFR). Identifiers: MedGen CN130014.

Submission:

Labcorp Genetics (formerly Invitae), Labcorp
Classification: Pathogenic for EGFR-related lung cancer. Last evaluated: 2022-02-20. Review status: criteria provided, single submitter. Criteria: Invitae Variant Classification Sherloc (09022015). Collection method: clinical testing. Allele origin: germline.
Comment: For these reasons, this variant has been classified as Pathogenic. This variant has not been reported in the literature in individuals affected with EGFR-related conditions. This variant is not present in population databases (gnomAD no frequency). This sequence change creates a premature translational stop signal (p.Asp974Alafs*9) in the EGFR gene. It is expected to result in an absent or disrupted protein product. Loss-of-function variants in EGFR are known to be pathogenic (PMID: 7630400, 28726809, 29899996).

Literature cited by the submitters: PubMed 7630400; PubMed 28726809; PubMed 29899996.

NM_005228.5(EGFR):c.2921_2928del (p.Asp974fs)

Gene: EGFR (epidermal growth factor receptor; plus strand). Cytogenetic location: 7p11.2.
Variant type: Deletion.
Coding change: c.2921_2928del on transcript NM_005228.5 (MANE Select); coding-DNA positions 2921 to 2928, 8 bases deleted (ACCCCCAG; older notation c.2921_2928delACCCCCAG).
Protein change: p.Asp974fs; shifts the reading frame from aspartic acid 974.
Molecular consequence: frameshift variant.
Genome position (GRCh38, 1-based): chr7:55,200,388-55,200,395, ACCCCCAG deleted; deleting any 8 consecutive bases within chr7:55,200,386-55,200,395 gives the same sequence; the c. name uses the placement nearest the transcript's 3' end. VCF-style (leftmost placement, unchanged base first): chr7-55200385-GAGACCCCC-G. GRCh37 (hg19) VCF-style: chr7-55268078-GAGACCCCC-G.
Other names: c.2786_2793del, p.Asp929fs (NM_001346897.2, NM_001346899.2); c.2921_2928del, p.Asp974fs (NM_001346898.2); c.2762_2769del, p.Asp921fs (NM_001346900.2); c.2120_2127del, p.Asp707fs (NM_001346941.2); short protein forms D921fs, D929fs, D707fs, D974fs.
Identifiers: ClinVar variation 1425739 (VCV001425739.6), dbSNP rs2128969953, ClinGen allele CA2573142274.